The following is an entry in ClinVar:

ClinVar aggregate classification (germline): Uncertain significance. Review status: criteria provided, single submitter (1 of 4 stars). 2 submissions from 1 submitter: Uncertain significance (2).

Conditions:
Transitory neonatal diabetes mellitus. Also called: Transient neonatal diabetes mellitus. Identifiers: MedGen C0342273, MONDO:0020525, HP:0008255.
Maturity-onset diabetes of the young (MODY). Also called: Maturity onset diabetes mellitus in young. Identifiers: Orphanet 552, MedGen C0342276, MONDO:0018911, HP:0004904.

gnomAD v4.1: 1 of 1,614,098 alleles (0.000062%); no homozygotes.

Submissions (2):

Clinical Genomics, Uppaluri K&H Personalized Medicine Clinic
Classification: Uncertain significance for Transitory neonatal diabetes mellitus. Review status: criteria provided, single submitter. Criteria: K & H Uppaluri Personalized Medicine Clinic Variant Classification & Assertion Criteria_Updated V.1. Collection method: research. Allele origin: unknown. Inheritance: Somatic mutation.
Comment: Mutations in ABCC8 gene are associated with both neonatal diabetes mellitus as well as MODY. Patients with this mutation may have a better response to sulfonylureas. However, no sufficient evidence is found to ascertain the role of this particular variant ( rs550990673) in neonatal diabetes yet.

Clinical Genomics, Uppaluri K&H Personalized Medicine Clinic
Classification: Uncertain significance for Maturity-onset diabetes of the young. Review status: criteria provided, single submitter. Criteria: K & H Uppaluri Personalized Medicine Clinic Variant Classification & Assertion Criteria_Updated V.1. Collection method: research. Allele origin: unknown. Inheritance: Somatic mutation.
Comment: Mutations in ABCC8 gene are associated with both neonatal diabetes mellitus as well as MODY. Patients with this mutation may have a better response to sulfonylureas. However, no sufficient evidence is found to ascertain the role of this particular variant ( rs550990673) in MODY yet.

Literature cited by the submitters: PubMed 16885549; PubMed 21989597; PubMed 27538677; PubMed 18981553; PubMed 32027066; PubMed 16613899; PubMed 18025408; PubMed 32792356.

NM_000352.6(ABCC8):c.279C>T (p.Ile93=)

Gene: ABCC8 (ATP binding cassette subfamily C member 8; minus strand). Cytogenetic location: 11p15.1.
Variant type: single nucleotide variant.
Coding change: c.279C>T on transcript NM_000352.6 (MANE Select); coding-DNA position 279, C replaced by T.
Protein change: p.Ile93=; no amino-acid change (isoleucine 93 retained).
Molecular consequence: synonymous variant. On other transcripts: non-coding transcript variant (1).
Genome position (GRCh38, 1-based): chr11:17,474,897, G>A on the plus strand (C>T on the coding strand, the complement: ABCC8 is on the minus strand). VCF-style: chr11-17474897-G-A. GRCh37 (hg19) VCF-style: chr11-17496444-G-A.
Other names: c.279C>T, p.Ile93= (NM_001287174.3, NM_001351295.2, NM_001351296.2 and 1 more transcripts).
Identifiers: ClinVar variation 1691263 (VCV001691263.2), dbSNP rs550990673, ClinGen allele CA5903936.